The following is an entry in ClinVar:

NM_002087.4(GRN):c.204T>C (p.Ser68=)

Gene: GRN (granulin precursor; plus strand). Cytogenetic location: 17q21.31.
Variant type: single nucleotide variant.
Coding change: c.204T>C on transcript NM_002087.4 (MANE Select); coding-DNA position 204, T replaced by C.
Protein change: p.Ser68=; no amino-acid change (serine 68 retained).
Molecular consequence: synonymous variant.
Genome position (GRCh38, 1-based): chr17:44,349,491, T>C. VCF-style: chr17-44349491-T-C. GRCh37 (hg19) VCF-style: chr17-42426859-T-C.
Identifiers: ClinVar variation 3024992 (VCV003024992.22), dbSNP rs775060160, ClinGen allele CA8601788.

ClinVar aggregate classification (germline): Likely benign (1 of 4 stars; one submission).

Allele frequency attached by ClinVar (database versions not stated): gnomAD exomes 0.00001; ExAC 0.00002; gnomAD 0.00002; TOPMed 0.00004.

Submission:

CeGaT Center for Human Genetics Tuebingen
Classification: Likely benign. Last evaluated: 2024-01-01. Review status: criteria provided, single submitter. Criteria: CeGaT Center For Human Genetics Tuebingen Variant Classification Criteria Version 2. Collection method: clinical testing. Allele origin: germline. Affected: yes. Observed: 1 variant allele.
Comment: GRN: BP4, BP7